The following is an entry in ClinVar:

NM_032578.4(MYPN):c.3285+5A>G

Gene: MYPN (myopalladin; plus strand). Cytogenetic location: 10q21.3.
Variant type: single nucleotide variant.
Coding change: c.3285+5A>G on transcript NM_032578.4 (MANE Select); 5 bases into the intron after coding-DNA position 3285, A replaced by G.
Molecular consequence: intron variant.
Genome position (GRCh38, 1-based): chr10:68,197,483, A>G. VCF-style: chr10-68197483-A-G. GRCh37 (hg19) VCF-style: chr10-69957240-A-G.
Other names: c.3285+5A>G (NM_001256267.2); c.2403+5A>G (NM_001256268.2).
Identifiers: ClinVar variation 1729779 (VCV001729779.2), dbSNP rs2495951999, ClinGen allele CA2580081811.

ClinVar aggregate classification (germline): Uncertain significance (1 of 4 stars; one submission).

Conditions:
Cardiovascular phenotype. Identifiers: MedGen CN230736.

Submission:

Ambry Genetics
Classification: Uncertain significance for Cardiovascular phenotype. Last evaluated: 2021-02-08. Review status: criteria provided, single submitter. Criteria: Ambry Variant Classification Scheme 2023. Collection method: clinical testing. Allele origin: germline.
Comment: The c.3285+5A>G intronic variant results from an A to G substitution 5 nucleotides after coding exon 15 in the MYPN gene. This nucleotide position is not well conserved in available vertebrate species. In silico splice site analysis predicts that this alteration will not have any significant effect on splicing. Since supporting evidence is limited at this time, the clinical significance of this alteration remains unclear.